The following is an entry in ClinVar:

NM_139318.5(KCNH5):c.755G>T (p.Ser252Ile)

Gene: KCNH5 (potassium voltage-gated channel subfamily H member 5; minus strand). Cytogenetic location: 14q23.2.
Variant type: single nucleotide variant.
Coding change: c.755G>T on transcript NM_139318.5 (MANE Select); coding-DNA position 755, G replaced by T.
Protein change: p.Ser252Ile; replaces serine 252 with isoleucine.
Molecular consequence: missense variant.
Genome position (GRCh38, 1-based): chr14:62,981,059, C>A on the plus strand (G>T on the coding strand, the complement: KCNH5 is on the minus strand). VCF-style: chr14-62981059-C-A. GRCh37 (hg19) VCF-style: chr14-63447777-C-A.
Other names: c.755G>T, p.Ser252Ile (NM_172375.3); short protein forms S252I.
Identifiers: ClinVar variation 2428919 (VCV002428919.3), dbSNP rs2503044620, ClinGen allele CA390104204.

ClinVar aggregate classification (germline): Uncertain significance (1 of 4 stars; one submission).

Submission:

GeneDx
Classification: Uncertain significance. Last evaluated: 2022-08-05. Review status: criteria provided, single submitter. Criteria: GeneDx Variant Classification Process June 2021. Collection method: clinical testing. Allele origin: germline. Affected: yes.
Comment: Not observed at significant frequency in large population cohorts (gnomAD); In silico analysis supports that this missense variant has a deleterious effect on protein structure/function; Has not been previously published as pathogenic or benign to our knowledge; Variants in candidate genes are classified as variants of uncertain significance in accordance with ACMG guidelines (Richards et al., 2015)